The following is an entry in ClinVar:

ClinVar aggregate classification (germline): Pathogenic (1 of 4 stars; one submission).

Conditions:
5-Oxoprolinase deficiency (OPLAHD). Also called: 5-OXOPROLINURIA DUE TO 5-OXOPROLINASE DEFICIENCY. Identifiers: Orphanet 33572, MedGen C0268525, MONDO:0009825, OMIM 260005, HP:0040142.

Submission:

Labcorp Genetics (formerly Invitae), Labcorp
Classification: Pathogenic for 5-Oxoprolinase deficiency. Last evaluated: 2022-12-17. Review status: criteria provided, single submitter. Criteria: Invitae Variant Classification Sherloc (09022015). Collection method: clinical testing. Allele origin: germline.
Comment: This sequence change creates a premature translational stop signal (p.Gln1084*) in the OPLAH gene. It is expected to result in an absent or disrupted protein product. Loss-of-function variants in OPLAH are known to be pathogenic (PMID: 21651516, 27477828). Information on the frequency of this variant in the gnomAD database is not available, as this variant may be reported differently in the database. This variant has not been reported in the literature in individuals affected with OPLAH-related conditions. For these reasons, this variant has been classified as Pathogenic.

Literature cited by the submitters: PubMed 21651516; PubMed 27477828.

NM_017570.5(OPLAH):c.3249_3250delinsTT (p.Gln1084Ter)

Gene: OPLAH (5-oxoprolinase, ATP-hydrolysing; minus strand). Cytogenetic location: 8q24.3.
Variant type: Indel.
Coding change: c.3249_3250delinsTT on transcript NM_017570.5 (MANE Select); coding-DNA positions 3249 to 3250, GC replaced by TT.
Protein change: p.Gln1084Ter; replaces glutamine 1084 with a stop codon.
Molecular consequence: nonsense.
Genome position (GRCh38, 1-based): chr8:144,052,502-144,052,503, GC replaced by AA on the plus strand (GC replaced by TT on the coding strand, the reverse complement: OPLAH is on the minus strand). VCF-style: chr8-144052502-GC-AA. GRCh37 (hg19) VCF-style: chr8-145107405-GC-AA.
Other names: short protein forms Q1084*.
Identifiers: ClinVar variation 3017064 (VCV003017064.3), dbSNP rs2540240013, ClinGen allele CA2740095402.